The following is an entry in ClinVar:

NM_004937.3(CTNS):c.343_354del (p.Phe115_Ile118del)

Genes: CTNS (cystinosin, lysosomal cystine transporter; plus strand), CTNS-AS1 (CTNS antisense RNA 1; minus strand). Cytogenetic location: 17p13.2.
Variant type: Deletion.
Coding change: c.343_354del on transcript NM_004937.3 (MANE Select); coding-DNA positions 343 to 354, 12 bases deleted (TTTCTTGTGATC).
Protein change: p.Phe115_Ile118del.
Molecular consequence: inframe deletion. On other transcripts: 5 prime UTR variant (4).
Genome position (GRCh38, 1-based): chr17:3,655,234-3,655,245, TTTCTTGTGATC deleted; deleting any 12 consecutive bases within chr17:3,655,233-3,655,245 gives the same sequence; the c. name uses the placement nearest the transcript's 3' end. VCF-style (leftmost placement, unchanged base first): chr17-3655232-GCTTTCTTGTGAT-G. GRCh37 (hg19) VCF-style: chr17-3558526-GCTTTCTTGTGAT-G.
Other names: c.343_354del, p.Phe115_Ile118del (NM_001031681.3, NM_001374492.1); c.-99_-88del (NM_001374493.1, NM_001374494.1, NM_001374495.1 and 1 more transcripts).
Identifiers: ClinVar variation 1466140 (VCV001466140.10), dbSNP rs2150919478, ClinGen allele CA2573153164.

ClinVar aggregate classification (germline): Uncertain significance (1 of 4 stars; one submission).

Conditions:
Juvenile nephropathic cystinosis. Also called: Intermediate Cystinosis; CYSTINOSIS, LATE-ONSET JUVENILE OR ADOLESCENT NEPHROPATHIC TYPE; Later-Onset (Juvenile) Cystinosis. Identifiers: Orphanet 213, Orphanet 411634, MedGen C0268626, MONDO:0009066, OMIM 219900.
Inborn genetic diseases. Identifiers: MedGen C0950123, MeSH D030342.
Ocular cystinosis. Also called: Non-Nephropathic Cystinosis; Non-Nephropathic (Ocular) Cystinosis. Identifiers: Orphanet 213, Orphanet 411641, MedGen C2931013, MONDO:0009064, OMIM 219750.

Submission:

Labcorp Genetics (formerly Invitae), Labcorp
Classification: Uncertain significance for Inborn genetic diseases; Ocular cystinosis; Juvenile nephropathic cystinosis. Last evaluated: 2022-06-18. Review status: criteria provided, single submitter. Criteria: Invitae Variant Classification Sherloc (09022015). Collection method: clinical testing. Allele origin: germline.
Comment: This variant is not present in population databases (gnomAD no frequency). Experimental studies and prediction algorithms are not available or were not evaluated, and the functional significance of this variant is currently unknown. This variant has not been reported in the literature in individuals affected with CTNS-related conditions. This variant, c.343_354del, results in the deletion of 4 amino acid(s) of the CTNS protein (p.Phe115_Ile118del), but otherwise preserves the integrity of the reading frame. Algorithms developed to predict the effect of sequence changes on RNA splicing suggest that this variant may disrupt the consensus splice site. In summary, the available evidence is currently insufficient to determine the role of this variant in disease. Therefore, it has been classified as a Variant of Uncertain Significance.